The following is an entry in ClinVar:

ClinVar aggregate classification (germline): Conflicting classifications of pathogenicity. Review status: criteria provided, conflicting classifications (1 of 4 stars). 2 submissions from 2 submitters: Uncertain significance (1); Likely benign (1). Last evaluated 2023-03-23.

Conditions:
Tuberous sclerosis 2 (TSC2). Identifiers: Orphanet 805, MedGen C1860707, MONDO:0013199, OMIM 613254.
Hereditary cancer-predisposing syndrome. Also called: Neoplastic Syndromes, Hereditary; Tumor predisposition; Hereditary neoplastic syndrome; Hereditary Cancer Syndrome. Identifiers: Orphanet 140162, MedGen C0027672, MeSH D009386, MONDO:0015356.

Allele frequency attached by ClinVar (database versions not stated): gnomAD exomes below 0.00001.
gnomAD v4.1: 2 of 1,610,198 alleles (0.00012%); highest among the groups gnomAD compares: Non-Finnish European, 0.00017%; no homozygotes.

Submissions (2):

Labcorp Genetics (formerly Invitae), Labcorp
Classification: Likely benign for Tuberous sclerosis 2. Last evaluated: 2023-03-23. Review status: criteria provided, single submitter. Criteria: Invitae Variant Classification Sherloc (09022015). Collection method: clinical testing. Allele origin: germline.

Ambry Genetics
Classification: Uncertain significance for Hereditary cancer-predisposing syndrome. Last evaluated: 2021-10-27. Review status: criteria provided, single submitter. Criteria: Ambry Variant Classification Scheme 2023. Collection method: clinical testing. Allele origin: germline.
Comment: The c.1266C>T variant (also known as p.S422S), located in coding exon 12 of the TSC2 gene, results from a C to T substitution at nucleotide position 1266. This nucleotide substitution does not change the serine at codon 422. This nucleotide position is not well conserved in available vertebrate species. In silico splice site analysis for this alteration is inconclusive. Since supporting evidence is limited at this time, the clinical significance of this alteration remains unclear.

NM_000548.5(TSC2):c.1266C>T (p.Ser422=)

Gene: TSC2 (TSC complex subunit 2; plus strand). Cytogenetic location: 16p13.3.
Variant type: single nucleotide variant.
Coding change: c.1266C>T on transcript NM_000548.5 (MANE Select); coding-DNA position 1266, C replaced by T.
Protein change: p.Ser422=; no amino-acid change (serine 422 retained).
Molecular consequence: synonymous variant. On other transcripts: 5 prime UTR variant (8), non-coding transcript variant (5), intron variant (2).
Genome position (GRCh38, 1-based): chr16:2,062,505, C>T. VCF-style: chr16-2062505-C-T. GRCh37 (hg19) VCF-style: chr16-2112506-C-T.
Other names: c.1266C>T, p.Ser422= (NM_001077183.3, NM_001114382.3, NM_001363528.2 and 6 more transcripts); c.1155C>T, p.Ser385= (NM_001318827.2, NM_001406670.1, NM_001406678.1); c.1119C>T, p.Ser373= (NM_001318829.2, NM_001406675.1, NM_001406676.1 and 1 more transcripts); c.666C>T, p.Ser222= (NM_001318831.2, NM_001406680.1, NM_001406682.1 and 6 more transcripts); c.1299C>T, p.Ser433= (NM_001318832.2); c.1356C>T, p.Ser452= (NM_001406667.1, NM_001406668.1); c.1254C>T, p.Ser418= (NM_001406671.1, NM_001406673.1); c.1209C>T, p.Ser403= (NM_001406677.1); and 4 more.
Identifiers: ClinVar variation 1764223 (VCV001764223.5), dbSNP rs1476279884, ClinGen allele CA492962348.